The following is an entry in ClinVar:

ClinVar aggregate classification (germline): Pathogenic (1 of 4 stars; one submission).

Submission:

Labcorp Genetics (formerly Invitae), Labcorp
Classification: Pathogenic. Last evaluated: 2022-07-05. Review status: criteria provided, single submitter. Criteria: Invitae Variant Classification Sherloc (09022015). Collection method: clinical testing. Allele origin: germline.
Comment: For these reasons, this variant has been classified as Pathogenic. This variant has not been reported in the literature in individuals affected with MERTK-related conditions. This variant is a gross deletion of the genomic region encompassing exon(s) 8 of the MERTK gene. This deletion is out-of-frame, and is expected to create a premature termination codon and result in an absent or disrupted protein product. Loss-of-function variants in MERTK are known to be pathogenic (PMID: 24265693, 29659094).

Literature cited by the submitters: PubMed 24265693; PubMed 29659094.

NC_000002.11:g.(?_112740399)_(112740590_?)del

Gene: MERTK (MER proto-oncogene, tyrosine kinase; plus strand). Cytogenetic location: 2q13.
Variant type: Deletion.
Identifiers: ClinVar variation 1459244 (VCV001459244.7).